The following is an entry in ClinVar:

NM_004371.4(COPA):c.562G>C (p.Asp188His)

Gene: COPA (coat protein complex I subunit alpha; minus strand). Cytogenetic location: 1q23.2.
Variant type: single nucleotide variant.
Coding change: c.562G>C on transcript NM_004371.4 (MANE Select); coding-DNA position 562, G replaced by C.
Protein change: p.Asp188His; replaces aspartic acid 188 with histidine.
Molecular consequence: missense variant.
Genome position (GRCh38, 1-based): chr1:160,325,587, C>G on the plus strand (G>C on the coding strand, the complement: COPA is on the minus strand). VCF-style: chr1-160325587-C-G. GRCh37 (hg19) VCF-style: chr1-160295377-C-G.
Other names: c.562G>C, p.Asp188His (NM_001098398.2); short protein forms D188H.
Identifiers: ClinVar variation 3717067 (VCV003717067.2).

ClinVar aggregate classification (germline): Uncertain significance (1 of 4 stars; one submission).

Conditions:
Autoimmune interstitial lung disease-arthritis syndrome. Also called: Autoinflammation and autoimmunity, systemic, with immune dysregulation. Identifiers: Orphanet 444092, MedGen C5975714, MONDO:0014629.

Submission:

Labcorp Genetics (formerly Invitae), Labcorp
Classification: Uncertain significance for Autoimmune interstitial lung disease-arthritis syndrome. Last evaluated: 2025-07-07. Review status: criteria provided, single submitter. Criteria: Invitae Variant Classification Sherloc (09022015). Collection method: clinical testing. Allele origin: germline.
Comment: This sequence change replaces aspartic acid, which is acidic and polar, with histidine, which is basic and polar, at codon 188 of the COPA protein (p.Asp188His). This variant is not present in population databases (gnomAD no frequency). This variant has not been reported in the literature in individuals affected with COPA-related conditions. ClinVar contains an entry for this variant (Variation ID: 3717067). Invitae Evidence Modeling of protein sequence and biophysical properties (such as structural, functional, and spatial information, amino acid conservation, physicochemical variation, residue mobility, and thermodynamic stability) indicates that this missense variant is expected to disrupt COPA protein function with a positive predictive value of 80%. In summary, the available evidence is currently insufficient to determine the role of this variant in disease. Therefore, it has been classified as a Variant of Uncertain Significance.